The following is an entry in ClinVar:

ClinVar aggregate classification (germline): Uncertain significance (1 of 4 stars; one submission).

Conditions:
Dilated cardiomyopathy 1O (CMD1O). Also called: CARDIOMYOPATHY, DILATED, WITH VENTRICULAR TACHYCARDIA. Identifiers: Orphanet 154, MedGen C1837839, MONDO:0012062, OMIM 608569.

Submission:

Labcorp Genetics (formerly Invitae), Labcorp
Classification: Uncertain significance for Dilated cardiomyopathy 1O. Last evaluated: 2025-12-08. Review status: criteria provided, single submitter. Criteria: Invitae Variant Classification Sherloc (09022015). Collection method: clinical testing. Allele origin: germline.
Comment: This sequence change replaces lysine, which is basic and polar, with asparagine, which is neutral and polar, at codon 274 of the ABCC9 protein (p.Lys274Asn). This variant is not present in population databases (gnomAD no frequency). This variant has not been reported in the literature in individuals affected with ABCC9-related conditions. Invitae Evidence Modeling of protein sequence and biophysical properties (such as structural, functional, and spatial information, amino acid conservation, physicochemical variation, residue mobility, and thermodynamic stability) has been performed for this missense variant. However, the output from this modeling did not meet the statistical confidence thresholds required to predict the impact of this variant on ABCC9 protein function. In summary, the available evidence is currently insufficient to determine the role of this variant in disease. Therefore, it has been classified as a Variant of Uncertain Significance.

NM_020297.4(ABCC9):c.822A>C (p.Lys274Asn)

Gene: ABCC9 (ATP binding cassette subfamily C member 9; minus strand). Cytogenetic location: 12p12.1.
Variant type: single nucleotide variant.
Coding change: c.822A>C on transcript NM_020297.4 (MANE Select); coding-DNA position 822, A replaced by C.
Protein change: p.Lys274Asn; replaces lysine 274 with asparagine.
Molecular consequence: missense variant. On other transcripts: 5 prime UTR variant (1).
Genome position (GRCh38, 1-based): chr12:21,913,061, T>G on the plus strand (A>C on the coding strand, the complement: ABCC9 is on the minus strand). VCF-style: chr12-21913061-T-G. GRCh37 (hg19) VCF-style: chr12-22065995-T-G.
Other names: c.822A>C, p.Lys274Asn (NM_001377273.1, NM_005691.4); c.-43A>C (NM_001377274.1); short protein forms K274N.
Identifiers: ClinVar variation 4772245 (VCV004772245.1).
Genomic context (GRCh38, chr12:21,913,061, plus strand): 5'-CCCAAAAGCTCTGTACATTGCAAGCCATATAGATGGAGTCCGATTTGGATGATCTGCAAC[T>G]TTTTTCTGAAGAAAAAAAAAAGAAAAAAAAAACAGATGTAACAAAATAAAACTGCTTAGA-3'
Protein context (NP_064693.2, residues 264-284): LKDAYEEQKK[Lys274Asn]VADHPNRTPS